The following is an entry in ClinVar:

ClinVar aggregate classification (germline): Uncertain significance (1 of 4 stars; one submission).

Conditions:
Nemaline myopathy 10 (NEM10). Identifiers: MedGen C4015360, MONDO:0014513, OMIM 616165.

Submission:

Labcorp Genetics (formerly Invitae), Labcorp
Classification: Uncertain significance for Nemaline myopathy 10. Last evaluated: 2022-08-09. Review status: criteria provided, single submitter. Criteria: Invitae Variant Classification Sherloc (09022015). Collection method: clinical testing. Allele origin: germline.
Comment: In summary, the available evidence is currently insufficient to determine the role of this variant in disease. Therefore, it has been classified as a Variant of Uncertain Significance. This variant has not been reported in the literature in individuals affected with LMOD3-related conditions. This variant is present in population databases (rs752238157, gnomAD 0.01%). This variant, c.465_467dup, results in the insertion of 1 amino acid(s) of the LMOD3 protein (p.Asp157dup), but otherwise preserves the integrity of the reading frame.

NM_198271.5(LMOD3):c.456TGA[5] (p.Asp157_Glu158insAsp)

Gene: LMOD3 (leiomodin 3; minus strand). Cytogenetic location: 3p14.1.
Variant type: Microsatellite.
Coding change: c.456TGA[5] on transcript NM_198271.5 (MANE Select); five copies in a row of the 3-base unit TGA starting at c.456; the reference has four copies in a row; one copy, 3 bases duplicated.
Protein change: p.Asp157_Glu158insAsp.
Molecular consequence: inframe insertion.
Genome position (GRCh38, 1-based): chr3:69,119,888-69,119,890, TCA duplicated on the plus strand (TGA on the coding strand, the reverse complement: LMOD3 is on the minus strand); duplicating any 3 consecutive bases within chr3:69,119,888-69,119,901 gives the same sequence; the position shown is the placement nearest the transcript's 3' end. VCF-style (leftmost placement, unchanged base first): chr3-69119887-G-GTCA. GRCh37 (hg19) VCF-style: chr3-69169038-G-GTCA.
Other names: c.456TGA[5], p.Asp157_Glu158insAsp (NM_001304418.3).
Identifiers: ClinVar variation 2421093 (VCV002421093.6), dbSNP rs752238157, ClinGen allele CA2488975.